The following is an entry in ClinVar:

ClinVar aggregate classification (germline): Uncertain significance (0 of 4 stars; one submission).

Conditions:
PKD1-related disorder. Also called: PKD1-related condition.

Submission:

PreventionGenetics, part of Exact Sciences
Classification: Uncertain significance for PKD1-related condition. Last evaluated: 2024-03-04. Review status: no assertion criteria provided. Collection method: clinical testing. Allele origin: germline.
Comment: The PKD1 c.2144T>C variant is predicted to result in the amino acid substitution p.Val715Ala. To our knowledge, this variant has not been reported in the literature or in a large population database, indicating this variant is rare. At this time, the clinical significance of this variant is uncertain due to the absence of conclusive functional and genetic evidence.

NM_001009944.3(PKD1):c.2144T>C (p.Val715Ala)

Gene: PKD1 (polycystin 1, transient receptor potential channel interacting; minus strand). Cytogenetic location: 16p13.3.
Variant type: single nucleotide variant.
Coding change: c.2144T>C on transcript NM_001009944.3 (MANE Select); coding-DNA position 2144, T replaced by C.
Protein change: p.Val715Ala; replaces valine 715 with alanine.
Molecular consequence: missense variant.
Genome position (GRCh38, 1-based): chr16:2,114,879, A>G on the plus strand (T>C on the coding strand, the complement: PKD1 is on the minus strand). VCF-style: chr16-2114879-A-G. GRCh37 (hg19) VCF-style: chr16-2164880-A-G.
Other names: c.2144T>C, p.Val715Ala (NM_000296.4); short protein forms V715A.
Identifiers: ClinVar variation 3349471 (VCV003349471.1).